The following is an entry in ClinVar:

ClinVar aggregate classification (germline): Benign/Likely benign. Review status: criteria provided, multiple submitters, no conflicts (2 of 4 stars). 14 submissions from 14 submitters: Benign (8); Likely benign (4). 2 of the submissions do not count toward it. Last evaluated 2026-09-01.

Conditions:
Cardiovascular phenotype. Identifiers: MedGen CN230736.
Cutis laxa, autosomal recessive, type 1B (ARCL1B). Also called: EFEMP2-Related Cutis Laxa; CUTIS LAXA, AUTOSOMAL RECESSIVE, TYPE IB. Identifiers: Orphanet 90349, MedGen C3280798, MONDO:0013754, OMIM 614437. Disease mechanism: loss of function.
Familial thoracic aortic aneurysm and aortic dissection (TAAD). Also called: Thoracic aortic aneurysms and dissections. Identifiers: Orphanet 91387, MedGen C4707243, MONDO:0019625.

Allele frequency attached by ClinVar (database versions not stated): 1000 Genomes Project 0.00060; 1000 Genomes Project 30x 0.00062; TOPMed 0.00244; ExAC 0.00288; ESP Exome Variant Server 0.00300; gnomAD exomes 0.00319 and 0.00422; gnomAD 0.00334 and 0.00344.
gnomAD v4.1: 6,627 of 1,614,018 alleles (0.41%); highest among the groups gnomAD compares: Non-Finnish European, 0.47%; 20 homozygotes.

Submissions (14):

CeGaT Center for Human Genetics Tuebingen
Classification: Likely benign. Last evaluated: 2026-09-01. Review status: criteria provided, single submitter. Criteria: CeGaT Center For Human Genetics Tuebingen Variant Classification Criteria Version 2. Collection method: clinical testing. Allele origin: germline. Affected: yes. Observed: 18 variant alleles.
Comment: EFEMP2: BP4, BS2

Labcorp Genetics (formerly Invitae), Labcorp
Classification: Benign for Cutis laxa, autosomal recessive, type 1B. Last evaluated: 2026-02-04. Review status: criteria provided, single submitter. Criteria: Invitae Variant Classification Sherloc (09022015). Collection method: clinical testing. Allele origin: germline.

ARUP Laboratories, Molecular Genetics and Genomics, ARUP Laboratories
Classification: Benign for Cutis laxa, autosomal recessive, type 1B. Last evaluated: 2025-07-22. Review status: criteria provided, single submitter. Criteria: ARUP Molecular Germline Variant Investigation Process 2024. Collection method: clinical testing. Allele origin: germline.

Molecular Diagnostic Laboratory for Inherited Cardiovascular Disease, Montreal Heart Institute
Classification: Likely benign. Last evaluated: 2025-04-09. Review status: criteria provided, single submitter. Criteria: ACMG Guidelines, 2015. Collection method: clinical testing. Allele origin: germline. Affected: no.
Comment: BS1;BP4;BP6

Blueprint Genetics
Classification: Likely benign. Last evaluated: 2024-11-25. Review status: criteria provided, single submitter. Criteria: ACMG Guidelines, 2015. Collection method: clinical testing. Allele origin: germline.

CHEO Genetics Diagnostic Laboratory, Children's Hospital of Eastern Ontario
Classification: Benign for Familial thoracic aortic aneurysm and aortic dissection. Last evaluated: 2023-05-16. Review status: criteria provided, single submitter. Criteria: ACMG Guidelines, 2015. Collection method: clinical testing. Allele origin: germline.

Mayo Clinic Laboratories, Mayo Clinic
Classification: Benign. Last evaluated: 2023-05-10. Review status: criteria provided, single submitter. Criteria: ACMG Guidelines, 2015. Collection method: clinical testing. Allele origin: germline. Observed: 6 variant alleles.
Comment: BS1, BS4_supporting, BP4

Ambry Genetics
Classification: Benign for Cardiovascular phenotype. Last evaluated: 2019-01-29. Review status: criteria provided, single submitter. Criteria: Ambry Variant Classification Scheme 2023. Collection method: clinical testing. Allele origin: germline.

GeneDx
Classification: Benign. Last evaluated: 2018-11-30. Review status: criteria provided, single submitter. Criteria: GeneDx Variant Classification Process June 2021. Collection method: clinical testing. Allele origin: germline. Affected: yes.
Comment: This variant is associated with the following publications: (PMID: 26017485)

Women's Health and Genetics/Laboratory Corporation of America, LabCorp
Classification: Benign. Last evaluated: 2017-07-14. Review status: criteria provided, single submitter. Criteria: LabCorp Variant Classification Summary - May 2015. Collection method: clinical testing. Allele origin: germline.
Comment: Variant summary: The EFEMP2 c.277G>A (p.Gly93Ser) variant involves the alteration of a non-conserved nucleotide. 2/3 in silico tools predict a benign outcome for this variant (SNPsandGO not captured due to low reliability index). This variant was found in 354/122264 control chromosomes including ExAC, predominantly observed in the European (Finnish) subpopulation at a frequency of 0.009828 (65/6614). This frequency is about 88 times the estimated maximal expected allele frequency of a pathogenic EFEMP2 variant (0.0001118), suggesting this is likely a benign polymorphism found primarily in the populations of European (Finnish) origin. This variant has been found in multiple familial abdominal aortic aneurysm without evidence of segregation (van de Luijtgaarden_2015) and was classified as likely benign by the authors. One diagnostic laboratory has classified uncertain significance without evidence to independently evaluate. Taken together, this variant is classified as benign.

Clinical Genetics DNA and cytogenetics Diagnostics Lab, Erasmus MC, Erasmus Medical Center
Classification: Likely benign for Cutis laxa, autosomal recessive, type 1B. Last evaluated: 2017-05-31. Review status: criteria provided, single submitter. Criteria: ACGS Guidelines, 2013. Collection method: clinical testing. Allele origin: germline. Affected: yes. Study: VKGL Data-share Consensus.

Illumina Laboratory Services, Illumina
Classification: Benign for Cutis laxa, autosomal recessive, type 1B. Last evaluated: 2017-04-27. Review status: criteria provided, single submitter. Criteria: ICSL Variant Classification Criteria 13 December 2019. Collection method: clinical testing. Allele origin: germline.
Comment: This variant was observed as part of a predisposition screen in an ostensibly healthy population. A literature search was performed for the gene, cDNA change, and amino acid change (where applicable). No publications were found based on this search. Allele frequency data from public databases was too high to be consistent with this variant causing disease. Therefore, this variant is classified as benign.

Genome Diagnostics Laboratory, Amsterdam University Medical Center
Classification: Likely benign for Cutis laxa, autosomal recessive, type 1B. Last evaluated: 2014-02-04. Review status: no assertion criteria provided. Criteria: ACGS Guidelines, 2013. Collection method: clinical testing. Allele origin: germline. Affected: yes. Study: VKGL Data-share Consensus. Not counted in ClinVar's aggregate classification.

Genome Diagnostics Laboratory, University Medical Center Utrecht
Classification: Benign. Review status: no assertion criteria provided. Collection method: clinical testing. Allele origin: germline. Affected: yes. Study: VKGL Data-share Consensus. Not counted in ClinVar's aggregate classification.

Literature cited by the submitters: PubMed 26017485 (cited by Mayo Clinic Laboratories, Mayo Clinic and Women's Health and Genetics/Laboratory Corporation of America, LabCorp).

NM_016938.5(EFEMP2):c.277G>A (p.Gly93Ser)

Gene: EFEMP2 (EGF-like fibulin extracellular matrix protein 2; minus strand). Cytogenetic location: 11q13.1.
Variant type: single nucleotide variant.
Coding change: c.277G>A on transcript NM_016938.5 (MANE Select); coding-DNA position 277, G replaced by A.
Protein change: p.Gly93Ser; replaces glycine 93 with serine.
Molecular consequence: missense variant. On other transcripts: non-coding transcript variant (1).
Genome position (GRCh38, 1-based): chr11:65,871,247, C>T on the plus strand (G>A on the coding strand, the complement: EFEMP2 is on the minus strand). VCF-style: chr11-65871247-C-T. GRCh37 (hg19) VCF-style: chr11-65638718-C-T.
Other names: p.Gly93Ser; short protein forms G93S.
Identifiers: ClinVar variation 424982 (VCV000424982.77), dbSNP rs2234462, ClinGen allele CA6110731.